The following is an entry in ClinVar:

ClinVar aggregate classification (germline): Uncertain significance (1 of 4 stars; one submission).

Allele frequency attached by ClinVar (database versions not stated): TOPMed below 0.00001.

Submission:

Labcorp Genetics (formerly Invitae), Labcorp
Classification: Uncertain significance. Last evaluated: 2021-08-14. Review status: criteria provided, single submitter. Criteria: Invitae Variant Classification Sherloc (09022015). Collection method: clinical testing. Allele origin: germline.
Comment: This sequence change replaces glutamine with arginine at codon 276 of the UNC80 protein (p.Gln276Arg). The glutamine residue is weakly conserved and there is a small physicochemical difference between glutamine and arginine. This variant is not present in population databases (ExAC no frequency). This variant has not been reported in the literature in individuals affected with UNC80-related conditions. Algorithms developed to predict the effect of missense changes on protein structure and function are either unavailable or do not agree on the potential impact of this missense change (SIFT: "Not Available"; PolyPhen-2: "Benign"; Align-GVGD: "Not Available"). In summary, the available evidence is currently insufficient to determine the role of this variant in disease. Therefore, it has been classified as a Variant of Uncertain Significance.

NM_001371986.1(UNC80):c.827A>G (p.Gln276Arg)

Gene: UNC80 (unc-80 homolog, NALCN channel complex subunit; plus strand). Cytogenetic location: 2q34.
Variant type: single nucleotide variant.
Coding change: c.827A>G on transcript NM_001371986.1 (MANE Select); coding-DNA position 827, A replaced by G.
Protein change: p.Gln276Arg; replaces glutamine 276 with arginine.
Molecular consequence: missense variant.
Genome position (GRCh38, 1-based): chr2:209,793,748, A>G. VCF-style: chr2-209793748-A-G. GRCh37 (hg19) VCF-style: chr2-210658472-A-G.
Other names: c.827A>G, p.Gln276Arg (NM_032504.2, NM_182587.4); short protein forms Q276R.
Identifiers: ClinVar variation 1465447 (VCV001465447.5), dbSNP rs756506394, ClinGen allele CA350132423.